The following is an entry in ClinVar:

ClinVar aggregate classification (germline): Uncertain significance. Review status: criteria provided, multiple submitters, no conflicts (2 of 4 stars). 2 submissions from 2 submitters: Uncertain significance (2). Last evaluated 2025-04-18.

Conditions:
Inborn genetic diseases. Identifiers: MedGen C0950123, MeSH D030342.

Submissions (2):

GeneDx
Classification: Uncertain significance. Last evaluated: 2025-04-18. Review status: criteria provided, single submitter. Criteria: GeneDx Variant Classification Process June 2021. Collection method: clinical testing. Allele origin: germline. Affected: yes.
Comment: Not observed at significant frequency in large population cohorts (gnomAD); In silico analysis supports that this missense variant has a deleterious effect on protein structure/function; Has not been previously published as pathogenic or benign to our knowledge

Ambry Genetics
Classification: Uncertain significance for Inborn genetic diseases. Last evaluated: 2024-10-20. Review status: criteria provided, single submitter. Criteria: Ambry Variant Classification Scheme 2023. Collection method: clinical testing. Allele origin: germline.

NM_016111.4(TELO2):c.338C>T (p.Pro113Leu)

Gene: TELO2 (telomere maintenance 2; plus strand). Cytogenetic location: 16p13.3.
Variant type: single nucleotide variant.
Coding change: c.338C>T on transcript NM_016111.4 (MANE Select); coding-DNA position 338, C replaced by T.
Protein change: p.Pro113Leu; replaces proline 113 with leucine.
Molecular consequence: missense variant.
Genome position (GRCh38, 1-based): chr16:1,495,348, C>T. VCF-style: chr16-1495348-C-T. GRCh37 (hg19) VCF-style: chr16-1545349-C-T.
Other names: c.338C>T, p.Pro113Leu (NM_001351846.2); short protein forms P113L.
Identifiers: ClinVar variation 3454765 (VCV003454765.2).